The following is an entry in ClinVar:

ClinVar aggregate classification (germline): Pathogenic (1 of 4 stars; one submission).

Conditions:
Methylmalonic aciduria and homocystinuria type cblD (MAHCD). Also called: METHYLMALONIC ACIDEMIA, cblH TYPE; Methylmalonic aciduria with homocystinuria cblD type. Identifiers: Orphanet 622, Orphanet 79283, MedGen C1848552, MONDO:0010185, OMIM 277410.

Submission:

Labcorp Genetics (formerly Invitae), Labcorp
Classification: Pathogenic for Methylmalonic aciduria and homocystinuria type cblD. Last evaluated: 2023-11-10. Review status: criteria provided, single submitter. Criteria: Invitae Variant Classification Sherloc (09022015). Collection method: clinical testing. Allele origin: germline.
Comment: This sequence change creates a premature translational stop signal (p.Leu84Argfs*3) in the MMADHC gene. It is expected to result in an absent or disrupted protein product. Loss-of-function variants in MMADHC are known to be pathogenic (PMID: 18385497). This variant is not present in population databases (gnomAD no frequency). This variant has not been reported in the literature in individuals affected with MMADHC-related conditions. For these reasons, this variant has been classified as Pathogenic.

Literature cited by the submitters: PubMed 18385497.

NM_015702.3(MMADHC):c.233_248dup (p.His83_Leu84insArgPheTer)

Gene: MMADHC (metabolism of cobalamin associated D; minus strand). Cytogenetic location: 2q23.2.
Variant type: Duplication.
Coding change: c.233_248dup on transcript NM_015702.3 (MANE Select); coding-DNA positions 233 to 248, 16 bases duplicated (TAGGTTTTGATTGTCA).
Protein change: p.His83_Leu84insArgPheTer.
Molecular consequence: nonsense, inframe insertion.
Genome position (GRCh38, 1-based): chr2:149,579,555-149,579,570, TGACAATCAAAACCTA duplicated on the plus strand (TAGGTTTTGATTGTCA on the coding strand, the reverse complement: MMADHC is on the minus strand); duplicating any 16 consecutive bases within chr2:149,579,555-149,579,572 gives the same sequence; the c. name uses the placement nearest the transcript's 3' end. VCF-style (leftmost placement, unchanged base first): chr2-149579554-G-GTGACAATCAAAACCTA. GRCh37 (hg19) VCF-style: chr2-150436068-G-GTGACAATCAAAACCTA.
Identifiers: ClinVar variation 2694795 (VCV002694795.3), dbSNP rs2467644943, ClinGen allele CA2697551101.